The following is an entry in ClinVar:

ClinVar aggregate classification (germline): Likely benign (1 of 4 stars; one submission).

Allele frequency attached by ClinVar (database versions not stated): gnomAD 0.00001; TOPMed below 0.00001.
gnomAD v4.1: 1 of 1,612,134 alleles (0.000062%); highest among the groups gnomAD compares: Non-Finnish European, 0.000085%; no homozygotes.

Submission:

GeneDx
Classification: Likely benign. Last evaluated: 2016-05-27. Review status: criteria provided, single submitter. Criteria: GeneDx Variant Classification (06012015). Collection method: clinical testing. Allele origin: germline. Affected: yes.
Comment: This variant is considered likely benign or benign based on one or more of the following criteria: it is a conservative change, it occurs at a poorly conserved position in the protein, it is predicted to be benign by multiple in silico algorithms, and/or has population frequency not consistent with disease.

NM_000026.4(ADSL):c.75G>A (p.Glu25=)

Gene: ADSL (adenylosuccinate lyase; plus strand). Cytogenetic location: 22q13.1.
Variant type: single nucleotide variant.
Coding change: c.75G>A on transcript NM_000026.4 (MANE Select); coding-DNA position 75, G replaced by A.
Protein change: p.Glu25=; no amino-acid change (glutamic acid 25 retained).
Molecular consequence: synonymous variant. On other transcripts: 5 prime UTR variant (1), non-coding transcript variant (1).
Genome position (GRCh38, 1-based): chr22:40,346,633, G>A. VCF-style: chr22-40346633-G-A. GRCh37 (hg19) VCF-style: chr22-40742637-G-A.
Other names: c.75G>A, p.Glu25= (NM_001123378.3, NM_001363840.3); c.-63G>A (NM_001317923.2).
Identifiers: ClinVar variation 386563 (VCV000386563.1), dbSNP rs1057522536, ClinGen allele CA16609099.